The following is an entry in ClinVar:

ClinVar aggregate classification (germline): Likely benign. Review status: criteria provided, multiple submitters, no conflicts (2 of 4 stars). 2 submissions from 2 submitters: Likely benign (2). Last evaluated 2025-07-10.

Allele frequency attached by ClinVar (database versions not stated): gnomAD exomes 0.00001 and 0.00008; ExAC 0.00013; ESP Exome Variant Server 0.00023; gnomAD 0.00023 and 0.00024; TOPMed 0.00027; 1000 Genomes Project 30x 0.00047; 1000 Genomes Project 0.00060.

Submissions (2):

Labcorp Genetics (formerly Invitae), Labcorp
Classification: Likely benign. Last evaluated: 2025-07-10. Review status: criteria provided, single submitter. Criteria: Invitae Variant Classification Sherloc (09022015). Collection method: clinical testing. Allele origin: germline.

Laboratory for Molecular Medicine, Mass General Brigham Personalized Medicine
Classification: Likely benign. Last evaluated: 2012-04-30. Review status: criteria provided, single submitter. Criteria: LMM Criteria. Collection method: clinical testing. Allele origin: germline. Observed: 2 variant alleles.
Comment: Asp47Asp in Exon 04 of COCH: This variant is not expected to have clinical signi ficance because it does not alter an amino acid residue, is not located within t he splice consensus sequence, and has been identified in 0.1% (3/3738) of Africa n American chromosomes from a broad population by the NHLBI Exome Sequencing Pro ject.

NM_004086.3(COCH):c.141T>C (p.Asp47=)

Genes: COCH (cochlin; plus strand), COCH-AS1 (COCH antisense RNA 1; minus strand). Cytogenetic location: 14q12.
Variant type: single nucleotide variant.
Coding change: c.141T>C on transcript NM_004086.3 (MANE Select); coding-DNA position 141, T replaced by C.
Protein change: p.Asp47=; no amino-acid change (aspartic acid 47 retained).
Molecular consequence: synonymous variant.
Genome position (GRCh38, 1-based): chr14:30,877,630, T>C. VCF-style: chr14-30877630-T-C. GRCh37 (hg19) VCF-style: chr14-31346836-T-C.
Other names: c.141T>C, p.Asp47= (NM_001135058.2); c.336T>C, p.Asp112= (NM_001347720.2).
Identifiers: ClinVar variation 178319 (VCV000178319.5), dbSNP rs199674735, ClinGen allele CA182102.
Genomic context (GRCh38, chr14:30,877,630, plus strand): 5'-AGCTCCCATTGCTATCACATGTTTTACCAGAGGCTTGGACATCAGGAAAGAGAAAGCAGA[T>C]GTCCTCTGCCCAGGGGGCTGCCCTCTTGAGGAATTCTCTGTGTATGGGAACATAGTATAT-3'
Protein context (NP_004077.1, residues 37-57): RGLDIRKEKA[Asp47=]VLCPGGCPLE